The following is an entry in ClinVar:

ClinVar aggregate classification (germline): Benign. Review status: criteria provided, multiple submitters, no conflicts (2 of 4 stars). 2 submissions from 2 submitters: Benign (2). Last evaluated 2018-06-14.

Allele frequency attached by ClinVar (database versions not stated): 1000 Genomes Project 0.35623; 1000 Genomes Project 30x 0.35087; TOPMed 0.23880.
gnomAD v4.1: 34,539 of 152,044 alleles (23%); highest among the groups gnomAD compares: East Asian, 59%; 4,668 homozygotes.

Submissions (2):

GeneDx
Classification: Benign. Last evaluated: 2018-06-14. Review status: criteria provided, single submitter. Criteria: GeneDx Variant Classification (06012015). Collection method: clinical testing. Allele origin: germline. Affected: yes.
Comment: This variant is considered likely benign or benign based on one or more of the following criteria: it is a conservative change, it occurs at a poorly conserved position in the protein, it is predicted to be benign by multiple in silico algorithms, and/or has population frequency not consistent with disease.

Breakthrough Genomics
Classification: Benign. Review status: criteria provided, single submitter. Criteria: ACMG Guidelines, 2015. Collection method: not provided. Allele origin: germline. Inheritance: Autosomal recessive inheritance. Affected: yes.

NM_000289.5(PFKM):c.-11787A>G

Gene: PFKM (phosphofructokinase, muscle; plus strand). Cytogenetic location: 12q13.11.
Variant type: single nucleotide variant.
Coding change: c.-11787A>G on transcript NM_000289.5; 11787 bases upstream of the start codon, A replaced by G.
Molecular consequence: intron variant (on NM_001354741.2).
Genome position (GRCh38, 1-based): chr12:48,107,628, A>G. VCF-style: chr12-48107628-A-G. GRCh37 (hg19) VCF-style: chr12-48501411-A-G.
Other names: c.-81+2209A>G (NM_001354741.2); c.-9+2209A>G (NM_001354742.2); c.-85+2209A>G (NM_001354747.2); c.-9+1818A>G (NM_001354743.2); c.82+173A>G (NM_001166686.2, NM_001439058.1, NM_001354736.1 and 4 more transcripts).
Identifiers: ClinVar variation 667846 (VCV000667846.4), dbSNP rs10492080, ClinGen allele CA13666965.